The following is an entry in ClinVar:

ClinVar aggregate classification (germline): Uncertain significance (1 of 4 stars; one submission).

Allele frequency attached by ClinVar (database versions not stated): TOPMed below 0.00001; ExAC 0.00001; gnomAD 0.00001; ESP Exome Variant Server 0.00008.
gnomAD v4.1: 1 of 1,613,948 alleles (0.000062%); highest among the groups gnomAD compares: Non-Finnish European, 0.000085%; no homozygotes.

Submission:

Labcorp Genetics (formerly Invitae), Labcorp
Classification: Uncertain significance. Last evaluated: 2022-03-26. Review status: criteria provided, single submitter. Criteria: Invitae Variant Classification Sherloc (09022015). Collection method: clinical testing. Allele origin: germline.
Comment: This variant is present in population databases (rs368174012, gnomAD 0.0009%). This sequence change replaces tyrosine, which is neutral and polar, with histidine, which is basic and polar, at codon 306 of the IFNAR2 protein (p.Tyr306His). This variant has not been reported in the literature in individuals affected with IFNAR2-related conditions. In summary, the available evidence is currently insufficient to determine the role of this variant in disease. Therefore, it has been classified as a Variant of Uncertain Significance. Algorithms developed to predict the effect of missense changes on protein structure and function output the following: SIFT: "Tolerated"; PolyPhen-2: "Benign"; Align-GVGD: "Class C0". The histidine amino acid residue is found in multiple mammalian species, which suggests that this missense change does not adversely affect protein function.

NM_001289125.3(IFNAR2):c.916T>C (p.Tyr306His)

Genes: IFNAR2 (interferon alpha and beta receptor subunit 2; plus strand), IFNAR2-IL10RB (IFNAR2-IL10RB readthrough; plus strand). Cytogenetic location: 21q22.11.
Variant type: single nucleotide variant.
Coding change: c.916T>C on transcript NM_001289125.3 (MANE Select); coding-DNA position 916, T replaced by C.
Protein change: p.Tyr306His; replaces tyrosine 306 with histidine.
Molecular consequence: missense variant. On other transcripts: 3 prime UTR variant (5).
Genome position (GRCh38, 1-based): chr21:33,262,868, T>C. VCF-style: chr21-33262868-T-C. GRCh37 (hg19) VCF-style: chr21-34635173-T-C.
Other names: c.*152T>C (NM_000874.5, NM_207584.3); c.*65T>C (NM_001289126.2, NM_001289128.2); c.*291T>C (NM_001385054.1); c.916T>C, p.Tyr306His (NM_001385055.1, NM_207585.3); short protein forms Y306H.
Identifiers: ClinVar variation 1921181 (VCV001921181.5), dbSNP rs368174012, ClinGen allele CA10005874.